The following is an entry in ClinVar:

NM_017654.4(SAMD9):c.2280T>A (p.Cys760Ter)

Gene: SAMD9 (sterile alpha motif domain containing 9; minus strand). Cytogenetic location: 7q21.2.
Variant type: single nucleotide variant.
Coding change: c.2280T>A on transcript NM_017654.4 (MANE Select); coding-DNA position 2280, T replaced by A.
Protein change: p.Cys760Ter; replaces cysteine 760 with a stop codon.
Molecular consequence: nonsense.
Genome position (GRCh38, 1-based): chr7:93,103,818, A>T on the plus strand (T>A on the coding strand, the complement: SAMD9 is on the minus strand). VCF-style: chr7-93103818-A-T. GRCh37 (hg19) VCF-style: chr7-92733131-A-T.
Other names: c.2280T>A, p.Cys760Ter (NM_001193307.2); short protein forms C760*.
Identifiers: ClinVar variation 5003382 (VCV005003382.1).

ClinVar aggregate classification (germline): Uncertain significance (1 of 4 stars; one submission).

Conditions:
Normophosphatemic familial tumoral calcinosis. Also called: CALCINOSIS, TUMORAL, WITH NORMOPHOSPHATEMIA. Identifiers: Orphanet 306658, Orphanet 53715, MedGen C1864861, MONDO:0012502, OMIM 610455.

Submission:

Myriad Genetics, Inc.
Classification: Uncertain significance for Normophosphatemic familial tumoral calcinosis. Last evaluated: 2025-11-12. Review status: criteria provided, single submitter. Criteria: Myriad Autosomal Dominant, Autosomal Recessive and X-Linked Classification Criteria (2023). Collection method: clinical testing. Allele origin: unknown.
Comment: NM_017654.3(SAMD9):c.2280T>A(C760*) is a nonsense variant classified as a variant of uncertain significance in the context of normophosphatemic familial tumoral calcinosis. C760* has not been observed in cases with relevant disease. Relevant functional assessments of this variant are not available in the literature. C760* has not been observed in referenced population frequency databases. In summary, there is insufficient evidence to classify NM_017654.3(SAMD9):c.2280T>A(C760*) as pathogenic or benign. Please note: this variant was assessed in the context of healthy population screening.